The following is an entry in ClinVar:

NM_000487.6(ARSA):c.933_*1566del2164 (p.Arg313fs)

Gene: ARSA (arylsulfatase A; minus strand). Cytogenetic location: 22q13.33.
Variant type: Deletion.
Coding change: c.933_*1566del2164 on transcript NM_000487.6 (MANE Select); coding-DNA position 933 through 1566 bases downstream of the stop codon, 2,622 bases deleted.
Protein change: p.Arg313fs; shifts the reading frame from arginine 313.
Molecular consequence: frameshift variant, splice acceptor variant, splice donor variant.
Genome position (GRCh38, 1-based): chr22:50,623,574-50,626,195, 2,622 bases deleted. GRCh37 (hg19): chr22:51,062,007-51,064,628.
Other names: NM_000487.6:c.938_*1571del; NP_000478.3:p.(Arg313LeufsTer20); c.933_*1566del2164, p.Arg313fs (NM_001085425.3, NM_001085426.3, NM_001085427.3); c.675_*1566del2164, p.Arg227fs (NM_001085428.3, NM_001362782.2); short protein forms R227fs, R313fs.
Identifiers: ClinVar variation 4850950 (VCV004850950.2).

ClinVar aggregate classification (germline): Likely pathogenic (1 of 4 stars; one submission).

Conditions:
Metachromatic leukodystrophy (MLD). Also called: ARSA DEFICIENCY; CEREBROSIDE SULFATASE DEFICIENCY; METACHROMATIC LEUKOENCEPHALOPATHY; Cerebral sclerosis diffuse metachromatic form; Arylsulfatase A Deficiency; SULFATIDE LIPIDOSIS. Identifiers: Orphanet 512, MedGen C0023522, MONDO:0018868, OMIM 250100.

Submission:

Laboratory of Experimental Gene Therapy of Hereditary Metabolic Diseases, Research Centre for Medical Genetics
Classification: Likely pathogenic for Metachromatic leukodystrophy. Last evaluated: 2026-09-17. Review status: criteria provided, single submitter. Criteria: ARSA MLD Assertion Criteria V2 2026 09 18. Collection method: clinical testing. Allele origin: germline. Inheritance: Autosomal recessive inheritance. Affected: yes. Observed: 1 variant allele, 1 compound heterozygote.
Comment: Reassessed under ACMG/AMP 2015 with ClinGen SVI refinements and a Bayesian point framework (supporting=1, moderate=2, strong=4, very strong=8; 6-9 points=likely pathogenic; >=10 points=pathogenic). Final score: 8. Evidence applied: PVS1_VeryStrong. Observations from the present referral series were excluded from classification. The variant is defined by its GRCh38 genomic HGVS to preserve the existing SCV mapping; the equivalent NM_000487.6 expression is provided as an alternate designation.